The following is an entry in ClinVar:

ClinVar aggregate classification (germline): Uncertain significance (1 of 4 stars; one submission).

Submission:

Labcorp Genetics (formerly Invitae), Labcorp
Classification: Uncertain significance. Last evaluated: 2022-07-18. Review status: criteria provided, single submitter. Criteria: Invitae Variant Classification Sherloc (09022015). Collection method: clinical testing. Allele origin: germline.
Comment: This variant is not present in population databases (gnomAD no frequency). This sequence change replaces glycine, which is neutral and non-polar, with valine, which is neutral and non-polar, at codon 133 of the USH1G protein (p.Gly133Val). This variant has not been reported in the literature in individuals affected with USH1G-related conditions. In summary, the available evidence is currently insufficient to determine the role of this variant in disease. Therefore, it has been classified as a Variant of Uncertain Significance. Algorithms developed to predict the effect of missense changes on protein structure and function are either unavailable or do not agree on the potential impact of this missense change (SIFT: "Not Available"; PolyPhen-2: "Possibly Damaging"; Align-GVGD: "Not Available"). ClinVar contains an entry for this variant (Variation ID: 964137).

NM_173477.5(USH1G):c.398G>T (p.Gly133Val)

Gene: USH1G (USH1 protein network component sans; minus strand). Cytogenetic location: 17q25.1.
Variant type: single nucleotide variant.
Coding change: c.398G>T on transcript NM_173477.5 (MANE Select); coding-DNA position 398, G replaced by T.
Protein change: p.Gly133Val; replaces glycine 133 with valine.
Molecular consequence: missense variant.
Genome position (GRCh38, 1-based): chr17:74,920,438, C>A on the plus strand (G>T on the coding strand, the complement: USH1G is on the minus strand). VCF-style: chr17-74920438-C-A. GRCh37 (hg19) VCF-style: chr17-72916533-C-A.
Other names: c.89G>T, p.Gly30Val (NM_001282489.3); short protein forms G133V, G30V.
Identifiers: ClinVar variation 964137 (VCV000964137.9), dbSNP rs2038928555, ClinGen allele CA400965564.
Genomic context (GRCh38, chr17:74,920,438, plus strand): 5'-AGCTTGGCGCACTCGCGGATGCGCCGCTCCGCCTCGCGGAAGGCCTTGTCCTTCAGCTTA[C>A]CCACCAGCTTGGGGTTGAGGCTGCTCTGCTTGGCCGCGATGGAGTCCAGGTAGCGCACGC-3'
Protein context (NP_775748.2, residues 123-143): KQSSLNPKLV[Gly133Val]KLKDKAFREA